The following is an entry in ClinVar:

ClinVar aggregate classification (germline): Uncertain significance. Review status: criteria provided, single submitter (1 of 4 stars). 2 submissions from 2 submitters: Uncertain significance (1). 1 of the submissions does not count toward it. Last evaluated 2025-03-17.

Conditions:
Primary ciliary dyskinesia. Also called: Ciliary dyskinesia. Identifiers: Orphanet 244, MedGen C0008780, MONDO:0016575, HP:0012265.
Retinitis pigmentosa (RP). Identifiers: Orphanet 791, MedGen C0035334, MeSH D012174, MONDO:0019200, OMIM 268000. Inheritance: Autosomal dominant, autosomal recessive and X linked inheritance.

Submissions (2):

Labcorp Genetics (formerly Invitae), Labcorp
Classification: Uncertain significance for Primary ciliary dyskinesia. Last evaluated: 2025-03-17. Review status: criteria provided, single submitter. Criteria: Invitae Variant Classification Sherloc (09022015). Collection method: clinical testing. Allele origin: germline.
Comment: This sequence change falls in intron 13 of the RPGR gene. It does not directly change the encoded amino acid sequence of the RPGR protein. RNA analysis indicates that this variant induces altered splicing and likely results in a shortened protein product. This variant is not present in population databases (gnomAD no frequency). This variant has been observed in individual(s) with retinitis pigmentosa (PMID: 17724181). ClinVar contains an entry for this variant (Variation ID: 636105). Variants that disrupt the consensus splice site are a relatively common cause of aberrant splicing (PMID: 17576681, 9536098). Studies have shown that this variant results in skipping of exons 14 and 15, but is expected to preserve the integrity of the reading-frame (PMID: 17724181). In summary, the available evidence is currently insufficient to determine the role of this variant in disease. Therefore, it has been classified as a Variant of Uncertain Significance.

Department of Clinical Genetics, Copenhagen University Hospital, Rigshospitalet
Classification: Likely pathogenic for Retinitis pigmentosa. Last evaluated: 2018-04-01. Review status: no assertion criteria provided. Collection method: research. Allele origin: unknown. Affected: yes. Study: VeluxRD. Not counted in ClinVar's aggregate classification.

Literature cited by the submitters: PubMed 17724181 (cited by Labcorp Genetics (formerly Invitae), Labcorp); PubMed 17576681 (cited by Labcorp Genetics (formerly Invitae), Labcorp); PubMed 9536098 (cited by Labcorp Genetics (formerly Invitae), Labcorp); PubMed 30718709 (cited by Department of Clinical Genetics, Copenhagen University Hospital, Rigshospitalet).

NM_001034853.2(RPGR):c.1573-3C>G

Gene: RPGR (retinitis pigmentosa GTPase regulator; minus strand). Cytogenetic location: Xp11.4.
Variant type: single nucleotide variant.
Coding change: c.1573-3C>G on transcript NM_001034853.2 (MANE Select); 3 bases into the intron before coding-DNA position 1573, C replaced by G.
Molecular consequence: intron variant.
Genome position (GRCh38, 1-based): chrX:38,288,044, G>C on the plus strand (C>G on the coding strand, the complement: RPGR is on the minus strand). VCF-style: chrX-38288044-G-C. GRCh37 (hg19) VCF-style: chrX-38147297-G-C.
Other names: c.1569+2915C>G (NM_001367249.1, NM_001367250.1); c.1570-3C>G (NM_001367245.1); c.1386+2915C>G (NM_001367251.1); c.1387-3C>G (NM_001367246.1); c.1572+2915C>G (NM_001367247.1); c.1573-3C>G (NM_000328.3); c.1602+2915C>G (NM_001367248.1).
Identifiers: ClinVar variation 636105 (VCV000636105.7), dbSNP rs1601926845, ClinGen allele CA915951015.
Genomic context (GRCh38, chrX:38,288,044, plus strand): 5'-TATCATCGTTTTCAGTAAGAGCTGTATCCTGCGTCAGTTCCCCAATTGTTTGTTGTTTCT[G>C]TAAATTTTTTGAAGTAATTATCATATGTCATACTACTATTAGTTGACAAGGACAACTTAT-3'